The following is an entry in ClinVar:

NM_004738.5(VAPB):c.7A>G (p.Lys3Glu)

Gene: VAPB (VAMP associated protein B and C; plus strand). Cytogenetic location: 20q13.32.
Variant type: single nucleotide variant.
Coding change: c.7A>G on transcript NM_004738.5 (MANE Select); coding-DNA position 7, A replaced by G.
Protein change: p.Lys3Glu; replaces lysine 3 with glutamic acid.
Molecular consequence: missense variant. On other transcripts: non-coding transcript variant (1).
Genome position (GRCh38, 1-based): chr20:58,389,466, A>G. VCF-style: chr20-58389466-A-G. GRCh37 (hg19) VCF-style: chr20-56964522-A-G.
Other names: c.7A>G, p.Lys3Glu (NM_001195677.2); short protein forms K3E.
Identifiers: ClinVar variation 4788326 (VCV004788326.1).
Genomic context (GRCh38, chr20:58,389,466, plus strand): 5'-CCCCGGTGACCTCTCAGGGGTCTCCCCGCCAAAGGTGCTCCGCCGCTAAGGAACATGGCG[A>G]AGGTGGAGCAGGTCCTGAGCCTCGAGCCGCAGCACGAGCTCAAATTCCGAGGTAAGCCCC-3'
Protein context (NP_004729.1, residues 1-13): MA[Lys3Glu]VEQVLSLEPQ

ClinVar aggregate classification (germline): Uncertain significance (1 of 4 stars; one submission).

Conditions:
Amyotrophic lateral sclerosis type 8 (ALS8). Identifiers: Orphanet 803, MedGen C1837728, MONDO:0012077, OMIM 608627.
Adult-onset proximal spinal muscular atrophy, autosomal dominant. Also called: Spinal muscular atrophy, late-onset, finkel type; FINKEL LATE-ADULT TYPE SMA. Identifiers: Orphanet 209335, MedGen C1854058, MONDO:0008453, OMIM 182980.

gnomAD v4.1: 3 of 1,596,428 alleles (0.00019%); highest among the groups gnomAD compares: East Asian, 0.0068%; no homozygotes.

Submission:

Labcorp Genetics (formerly Invitae), Labcorp
Classification: Uncertain significance for Adult-onset proximal spinal muscular atrophy, autosomal dominant; Amyotrophic lateral sclerosis type 8. Last evaluated: 2025-04-06. Review status: criteria provided, single submitter. Criteria: Invitae Variant Classification Sherloc (09022015). Collection method: clinical testing. Allele origin: germline.
Comment: This sequence change replaces lysine, which is basic and polar, with glutamic acid, which is acidic and polar, at codon 3 of the VAPB protein (p.Lys3Glu). This variant is present in population databases (no rsID available, gnomAD 0.02%). This variant has not been reported in the literature in individuals affected with VAPB-related conditions. An algorithm developed to predict the effect of missense changes on protein structure and function (PolyPhen-2) suggests that this variant is likely to be tolerated. In summary, the available evidence is currently insufficient to determine the role of this variant in disease. Therefore, it has been classified as a Variant of Uncertain Significance.